The following is an entry in ClinVar:

ClinVar aggregate classification (germline): Uncertain significance (1 of 4 stars; one submission).

Conditions:
MEGF8-related disorder. Also called: MEGF8-related condition.

Allele frequency attached by ClinVar (database versions not stated): TOPMed 0.00004; ExAC 0.00005; gnomAD 0.00005; ESP Exome Variant Server 0.00008.
gnomAD v4.1: 84 of 1,613,660 alleles (0.0052%); highest among the groups gnomAD compares: East Asian, 0.0089%; no homozygotes.

Submission:

PreventionGenetics, part of Exact Sciences
Classification: Uncertain significance for MEGF8-related condition. Last evaluated: 2022-08-25. Review status: criteria provided, single submitter. Criteria: ACMG Guidelines, 2015. Collection method: clinical testing. Allele origin: germline.
Comment: The MEGF8 c.1717C>T variant is predicted to result in the amino acid substitution p.Arg573Trp. To our knowledge, this variant has not been reported in the literature. This variant is reported in 0.0062% of alleles in individuals of European (Non-Finnish) descent in gnomAD. At this time, the clinical significance of this variant is uncertain due to the absence of conclusive functional and genetic evidence.

NM_001271938.2(MEGF8):c.1717C>T (p.Arg573Trp)

Gene: MEGF8 (multiple EGF like domains 8; plus strand). Cytogenetic location: 19q13.2.
Variant type: single nucleotide variant.
Coding change: c.1717C>T on transcript NM_001271938.2 (MANE Select); coding-DNA position 1717, C replaced by T.
Protein change: p.Arg573Trp; replaces arginine 573 with tryptophan.
Molecular consequence: missense variant.
Genome position (GRCh38, 1-based): chr19:42,344,002, C>T. VCF-style: chr19-42344002-C-T. GRCh37 (hg19) VCF-style: chr19-42848154-C-T.
Other names: c.1717C>T, p.Arg573Trp (NM_001410.3); short protein forms R573W.
Identifiers: ClinVar variation 2635648 (VCV002635648.1), dbSNP rs369696855, ClinGen allele CA9474537.
Genomic context (GRCh38, chr19:42,344,002, plus strand): 5'-GCCTCCCTGCAGTACCACTTGGACTACTGCTCCATGTACACAGACCACAGCGTCTGCTCC[C>T]GGGACCCGGAATGCAGTTGGTGCCAAGGAGCCTGCCAAGCTGCACCCCCTCCTGGGACCC-3'
Protein context (NP_001258867.1, residues 563-583): SMYTDHSVCS[Arg573Trp]DPECSWCQGA